The following is an entry in ClinVar:

ClinVar aggregate classification (germline): Uncertain significance (1 of 4 stars; one submission).

Conditions:
Inborn genetic diseases. Identifiers: MedGen C0950123, MeSH D030342.

Submission:

Ambry Genetics
Classification: Uncertain significance for Inborn genetic diseases. Last evaluated: 2025-10-14. Review status: criteria provided, single submitter. Criteria: Ambry Variant Classification Scheme 2023. Collection method: clinical testing. Allele origin: germline.
Comment: The p.R499S variant (also known as c.1495C>A), located in coding exon 12 of the ASXL1 gene, results from a C to A substitution at nucleotide position 1495. The arginine at codon 499 is replaced by serine, an amino acid with dissimilar properties. This amino acid position is conserved. In addition, this alteration is predicted to be tolerated by in silico analysis. Based on the available evidence, the clinical significance of this variant remains unclear.

NM_015338.6(ASXL1):c.1495C>A (p.Arg499Ser)

Gene: ASXL1 (ASXL transcriptional regulator 1; plus strand). Cytogenetic location: 20q11.21.
Variant type: single nucleotide variant.
Coding change: c.1495C>A on transcript NM_015338.6 (MANE Select); coding-DNA position 1495, C replaced by A.
Protein change: p.Arg499Ser; replaces arginine 499 with serine.
Molecular consequence: missense variant.
Genome position (GRCh38, 1-based): chr20:32,433,693, C>A. VCF-style: chr20-32433693-C-A. GRCh37 (hg19) VCF-style: chr20-31021496-C-A.
Other names: c.1312C>A, p.Arg438Ser (NM_001363734.1); short protein forms R438S, R499S.
Identifiers: ClinVar variation 4587830 (VCV004587830.1).